The following is an entry in ClinVar:

NM_000059.4(BRCA2):c.3728A>C (p.Asp1243Ala)

Gene: BRCA2 (BRCA2 DNA repair associated; plus strand). Cytogenetic location: 13q13.1.
Variant type: single nucleotide variant.
Coding change: c.3728A>C on transcript NM_000059.4 (MANE Select); coding-DNA position 3728, A replaced by C.
Protein change: p.Asp1243Ala; replaces aspartic acid 1243 with alanine.
Molecular consequence: missense variant. On other transcripts: non-coding transcript variant (1), intron variant (2).
Genome position (GRCh38, 1-based): chr13:32,338,083, A>C. VCF-style: chr13-32338083-A-C. GRCh37 (hg19) VCF-style: chr13-32912220-A-C.
Other names: c.3728A>C, p.Asp1243Ala (NM_001406719.1, NM_001406720.1); c.1909+4696A>C (NM_001406721.1); c.425-6475A>C (NM_001406722.1); short protein forms D1243A.
Identifiers: ClinVar variation 2501014 (VCV002501014.1), dbSNP rs2137499441, ClinGen allele CA387778102.

ClinVar aggregate classification (germline): Uncertain significance (1 of 4 stars; one submission).

Submission:

Women's Health and Genetics/Laboratory Corporation of America, LabCorp
Classification: Uncertain significance. Last evaluated: 2023-03-24. Review status: criteria provided, single submitter. Criteria: LabCorp Variant Classification Summary - May 2015. Collection method: clinical testing. Allele origin: germline.
Comment: Variant summary: BRCA2 c.3728A>C (p.Asp1243Ala) results in a non-conservative amino acid change in the encoded protein sequence. Five of five in-silico tools predict a damaging effect of the variant on protein function. The variant was absent in 247518 control chromosomes. The available data on variant occurrences in the general population are insufficient to allow any conclusion about variant significance. To our knowledge, no occurrence of c.3728A>C in individuals affected with Hereditary Breast And Ovarian Cancer Syndrome and no experimental evidence demonstrating its impact on protein function have been reported. No submitters have provided clinical-significance assessments for this variant to ClinVar after 2014. Based on the evidence outlined above, the variant was classified as uncertain significance.